The following is an entry in ClinVar:

NM_000283.4(PDE6B):c.2366T>C (p.Phe789Ser)

Gene: PDE6B (phosphodiesterase 6B; plus strand). Cytogenetic location: 4p16.3.
Variant type: single nucleotide variant.
Coding change: c.2366T>C on transcript NM_000283.4 (MANE Select); coding-DNA position 2366, T replaced by C.
Protein change: p.Phe789Ser; replaces phenylalanine 789 with serine.
Molecular consequence: missense variant.
Genome position (GRCh38, 1-based): chr4:667,869, T>C. VCF-style: chr4-667869-T-C. GRCh37 (hg19) VCF-style: chr4-661658-T-C.
Other names: c.2366T>C, p.Phe789Ser (NM_001145291.2); c.1529T>C, p.Phe510Ser (NM_001145292.2, NM_001350154.3, NM_001379246.1 and 1 more transcripts); c.1211T>C, p.Phe404Ser (NM_001350155.3); short protein forms F404S, F789S, F510S.
Identifiers: ClinVar variation 3643950 (VCV003643950.2).
Genomic context (GRCh38, chr4:667,869, plus strand): 5'-GAGAGCAGGCAGGACAGGACTGGTGGTGACTTCTCGACTCCCCTCAGGAGTTCTCTCGTT[T>C]CCACGAAGAGATCCTGCCCATGTTCGACCGACTGCAGAACAATAGGAAAGAGTGGAAGGC-3'
Protein context (NP_000274.3, residues 779-799): CTFVYKEFSR[Phe789Ser]HEEILPMFDR

ClinVar aggregate classification (germline): Uncertain significance (1 of 4 stars; one submission).

Submission:

Labcorp Genetics (formerly Invitae), Labcorp
Classification: Uncertain significance. Last evaluated: 2024-03-09. Review status: criteria provided, single submitter. Criteria: Invitae Variant Classification Sherloc (09022015). Collection method: clinical testing. Allele origin: germline.
Comment: This sequence change replaces phenylalanine, which is neutral and non-polar, with serine, which is neutral and polar, at codon 789 of the PDE6B protein (p.Phe789Ser). This variant is not present in population databases (gnomAD no frequency). This variant has not been reported in the literature in individuals affected with PDE6B-related conditions. Advanced modeling of protein sequence and biophysical properties (such as structural, functional, and spatial information, amino acid conservation, physicochemical variation, residue mobility, and thermodynamic stability) has been performed at Invitae for this missense variant, however the output from this modeling did not meet the statistical confidence thresholds required to predict the impact of this variant on PDE6B protein function. In summary, the available evidence is currently insufficient to determine the role of this variant in disease. Therefore, it has been classified as a Variant of Uncertain Significance.